The following is an entry in ClinVar:

ClinVar aggregate classification (germline): Uncertain significance. Review status: criteria provided, multiple submitters, no conflicts (2 of 4 stars). 2 submissions from 2 submitters: Uncertain significance (2). Last evaluated 2025-05-01.

Conditions:
Cardiovascular phenotype. Identifiers: MedGen CN230736.
Dilated cardiomyopathy 1HH (CMD1HH). Identifiers: Orphanet 154, MedGen C3151293, MONDO:0013479, OMIM 613881.
Myofibrillar myopathy 6. Identifiers: Orphanet 199340, MedGen C2751831, MONDO:0013061, OMIM 612954.

Submissions (2):

Labcorp Genetics (formerly Invitae), Labcorp
Classification: Uncertain significance for Dilated cardiomyopathy 1HH; Myofibrillar myopathy 6. Last evaluated: 2025-05-01. Review status: criteria provided, single submitter. Criteria: Invitae Variant Classification Sherloc (09022015). Collection method: clinical testing. Allele origin: germline.
Comment: This sequence change replaces proline, which is neutral and non-polar, with leucine, which is neutral and non-polar, at codon 520 of the BAG3 protein (p.Pro520Leu). This variant is not present in population databases (gnomAD no frequency). This variant has not been reported in the literature in individuals affected with BAG3-related conditions. ClinVar contains an entry for this variant (Variation ID: 2587227). Invitae Evidence Modeling of protein sequence and biophysical properties (such as structural, functional, and spatial information, amino acid conservation, physicochemical variation, residue mobility, and thermodynamic stability) indicates that this missense variant is not expected to disrupt BAG3 protein function with a negative predictive value of 80%. In summary, the available evidence is currently insufficient to determine the role of this variant in disease. Therefore, it has been classified as a Variant of Uncertain Significance.

Ambry Genetics
Classification: Uncertain significance for Cardiovascular phenotype. Last evaluated: 2023-07-05. Review status: criteria provided, single submitter. Criteria: Ambry Variant Classification Scheme 2023. Collection method: clinical testing. Allele origin: germline.
Comment: The p.P520L variant (also known as c.1559C>T), located in coding exon 4 of the BAG3 gene, results from a C to T substitution at nucleotide position 1559. The proline at codon 520 is replaced by leucine, an amino acid with similar properties. This amino acid position is conserved. In addition, the in silico prediction for this alteration is inconclusive. Since supporting evidence is limited at this time, the clinical significance of this alteration remains unclear.

NM_004281.4(BAG3):c.1559C>T (p.Pro520Leu)

Gene: BAG3 (BAG cochaperone 3; plus strand). Cytogenetic location: 10q26.11.
Variant type: single nucleotide variant.
Coding change: c.1559C>T on transcript NM_004281.4 (MANE Select); coding-DNA position 1559, C replaced by T.
Protein change: p.Pro520Leu; replaces proline 520 with leucine.
Molecular consequence: missense variant.
Genome position (GRCh38, 1-based): chr10:119,677,113, C>T. VCF-style: chr10-119677113-C-T. GRCh37 (hg19) VCF-style: chr10-121436625-C-T.
Other names: short protein forms P520L.
Identifiers: ClinVar variation 2587227 (VCV002587227.3), dbSNP rs766018650, ClinGen allele CA378297589.